The following is an entry in ClinVar:

ClinVar aggregate classification (germline): Conflicting classifications of pathogenicity. Review status: criteria provided, conflicting classifications (1 of 4 stars). 2 submissions from 2 submitters: Uncertain significance (1); Likely benign (1). Last evaluated 2024-02-01.

Allele frequency attached by ClinVar (database versions not stated): ESP Exome Variant Server 0.00009; gnomAD 0.00009; gnomAD exomes 0.00009; TOPMed 0.00014; ExAC 0.00016.
gnomAD v4.1: 114 of 1,210,055 alleles (0.0094%); highest among the groups gnomAD compares: Middle Eastern, 0.069%; 1 homozygote.

Submissions (2):

CeGaT Center for Human Genetics Tuebingen
Classification: Likely benign. Last evaluated: 2024-02-01. Review status: criteria provided, single submitter. Criteria: CeGaT Center For Human Genetics Tuebingen Variant Classification Criteria Version 2. Collection method: clinical testing. Allele origin: germline. Affected: yes. Observed: 1 variant allele.
Comment: CXCR3: BS2

Ambry Genetics
Classification: Uncertain significance. Last evaluated: 2023-01-31. Review status: criteria provided, single submitter. Criteria: Ambry Variant Classification Scheme 2023. Collection method: clinical testing. Allele origin: germline.

NM_001504.2(CXCR3):c.990G>T (p.Trp330Cys)

Genes: CXCR3 (C-X-C motif chemokine receptor 3; minus strand), LOC130068420 (ATAC-STARR-seq lymphoblastoid active region 29746; plus strand). Cytogenetic location: Xq13.1.
Variant type: single nucleotide variant.
Coding change: c.990G>T on transcript NM_001504.2 (MANE Select); coding-DNA position 990, G replaced by T.
Protein change: p.Trp330Cys; replaces tryptophan 330 with cysteine.
Molecular consequence: missense variant.
Genome position (GRCh38, 1-based): chrX:71,616,482, C>A on the plus strand (G>T on the coding strand, the complement: CXCR3 is on the minus strand). VCF-style: chrX-71616482-C-A. GRCh37 (hg19) VCF-style: chrX-70836332-C-A.
Other names: c.1131G>T, p.Trp377Cys (NM_001142797.2); short protein forms W330C, W377C.
Identifiers: ClinVar variation 2455581 (VCV002455581.18), dbSNP rs199714478, ClinGen allele CA10448387.